The following is an entry in ClinVar:

NM_000235.4(LIPA):c.492C>T (p.Gly164=)

Gene: LIPA (lipase A, lysosomal acid type; minus strand). Cytogenetic location: 10q23.31.
Variant type: single nucleotide variant.
Coding change: c.492C>T on transcript NM_000235.4 (MANE Select); coding-DNA position 492, C replaced by T.
Protein change: p.Gly164=; no amino-acid change (glycine 164 retained).
Molecular consequence: synonymous variant.
Genome position (GRCh38, 1-based): chr10:89,226,941, G>A on the plus strand (C>T on the coding strand, the complement: LIPA is on the minus strand). VCF-style: chr10-89226941-G-A. GRCh37 (hg19) VCF-style: chr10-90986698-G-A.
Other names: c.492C>T, p.Gly164= (NM_001127605.3); c.144C>T, p.Gly48= (NM_001288979.2); c.492C>T (NM_000235.3).
Identifiers: ClinVar variation 1143023 (VCV001143023.10), dbSNP rs761751211, ClinGen allele CA5593710.

ClinVar aggregate classification (germline): Likely benign. Review status: criteria provided, multiple submitters, no conflicts (2 of 4 stars). 2 submissions from 2 submitters: Likely benign (2). Last evaluated 2026-07-06.

Conditions:
Wolman disease (WOLD). Also called: Infantile-Onset LAL-D (Wolman Disease); Wolman disease, CESD; LYSOSOMAL ACID LIPASE DEFICIENCY, ACUTE INFANTILE; LYSOSOMAL ACID LIPASE DEFICIENCY, COMPLETE; LIPA DEFICIENCY, COMPLETE; LAL DEFICIENCY, COMPLETE. Identifiers: Orphanet 75233, MedGen C0043208, MONDO:0019148, OMIM 620151.
LIPA-related disorder. Also called: LIPA-related condition; LIPA-related disorders.

Allele frequency attached by ClinVar (database versions not stated): gnomAD exomes below 0.00001 and 0.00001; gnomAD 0.00001; ExAC 0.00002.
gnomAD v4.1: 6 of 1,612,902 alleles (0.00037%); highest among the groups gnomAD compares: Admixed American, 0.0017%; no homozygotes.

Submissions (2):

PreventionGenetics, part of Exact Sciences
Classification: Likely benign for LIPA-related condition. Last evaluated: 2026-07-06. Review status: criteria provided, single submitter. Criteria: ACMG Guidelines, 2015. Collection method: clinical testing. Allele origin: germline.
Comment: This variant is classified as likely benign based on ACMG/AMP sequence variant interpretation guidelines (Richards et al. 2015 PMID: 25741868, with internal and published modifications).

Labcorp Genetics (formerly Invitae), Labcorp
Classification: Likely benign for Wolman disease. Last evaluated: 2023-10-22. Review status: criteria provided, single submitter. Criteria: Invitae Variant Classification Sherloc (09022015). Collection method: clinical testing. Allele origin: germline.